The following is an entry in ClinVar:

NM_000051.4(ATM):c.8664A>T (p.Ile2888=)

Genes: ATM (ATM serine/threonine kinase; plus strand), C11orf65 (chromosome 11 open reading frame 65; minus strand). Cytogenetic location: 11q22.3.
Variant type: single nucleotide variant.
Coding change: c.8664A>T on transcript NM_000051.4 (MANE Select); coding-DNA position 8664, A replaced by T.
Protein change: p.Ile2888=; no amino-acid change (isoleucine 2888 retained).
Molecular consequence: synonymous variant. On other transcripts: intron variant (2).
Genome position (GRCh38, 1-based): chr11:108,347,358, A>T. VCF-style: chr11-108347358-A-T. GRCh37 (hg19) VCF-style: chr11-108218085-A-T.
Other names: c.8664A>T, p.Ile2888= (NM_001351834.2); c.641-38287T>A (NM_001330368.2); c.695-12066T>A (NM_001351110.2).
Identifiers: ClinVar variation 3254331 (VCV003254331.1), dbSNP rs769052707.
Genomic context (GRCh38, chr11:108,347,358, plus strand): 5'-TGGTGATAGACATGTACAGAATATCTTGATAAATGAGCAGTCAGCAGAACTTGTACATAT[A>T]GATCTAGGTAAGTAATAAAATCTATGTATCTATTCTTTTTAGTAAATATTTGGTCATCAT-3'
Protein context (NP_000042.3, residues 2878-2898): INEQSAELVH[Ile2888=]DLGVAFEQGK

ClinVar aggregate classification (germline): Benign (1 of 4 stars; one submission).

Conditions:
Familial cancer of breast. Also called: hereditary breast carcinoma; BREAST CANCER, FAMILIAL; Hereditary breast cancer. Identifiers: Orphanet 227535, MedGen C0346153, MONDO:0016419, OMIM 114480. Disease mechanism: loss of function.

Submission:

Myriad Genetics, Inc.
Classification: Benign for Familial cancer of breast. Last evaluated: 2024-06-20. Review status: criteria provided, single submitter. Criteria: Myriad Autosomal Dominant, Autosomal Recessive and X-Linked Classification Criteria (2023). Collection method: clinical testing. Allele origin: unknown.
Comment: This variant is considered benign. This variant is a silent/synonymous amino acid change and it is not expected to impact splicing.